The following is an entry in ClinVar:

ClinVar aggregate classification (germline): Likely benign. Review status: criteria provided, multiple submitters, no conflicts (2 of 4 stars). 5 submissions from 5 submitters: Likely benign (5). Last evaluated 2026-05-01.

Conditions:
KCNN4-related disorder. Also called: KCNN4-related condition.

Allele frequency attached by ClinVar (database versions not stated): ESP Exome Variant Server 0.00023; gnomAD 0.00025; TOPMed 0.00031; gnomAD exomes 0.00032; ExAC 0.00040.
gnomAD v4.1: 522 of 1,613,332 alleles (0.032%); highest among the groups gnomAD compares: Middle Eastern, 0.36%; no homozygotes.

Submissions (5):

CeGaT Center for Human Genetics Tuebingen
Classification: Likely benign. Last evaluated: 2026-05-01. Review status: criteria provided, single submitter. Criteria: CeGaT Center For Human Genetics Tuebingen Variant Classification Criteria Version 2. Collection method: clinical testing. Allele origin: germline. Affected: yes. Observed: 1 variant allele.
Comment: KCNN4: BP4, BP7

Labcorp Genetics (formerly Invitae), Labcorp
Classification: Likely benign. Last evaluated: 2025-10-03. Review status: criteria provided, single submitter. Criteria: Invitae Variant Classification Sherloc (09022015). Collection method: clinical testing. Allele origin: germline.

Mayo Clinic Laboratories, Mayo Clinic
Classification: Likely benign. Last evaluated: 2025-07-22. Review status: criteria provided, single submitter. Criteria: ACMG Guidelines, 2015. Collection method: clinical testing. Allele origin: germline. Observed: 1 variant allele.
Comment: BP4, BP7

PreventionGenetics, part of Exact Sciences
Classification: Likely benign for KCNN4-related condition. Last evaluated: 2024-11-21. Review status: criteria provided, single submitter. Criteria: ACMG Guidelines, 2015. Collection method: clinical testing. Allele origin: germline.
Comment: This variant is classified as likely benign based on ACMG/AMP sequence variant interpretation guidelines (Richards et al. 2015 PMID: 25741868, with internal and published modifications).

Blueprint Genetics
Classification: Likely benign. Last evaluated: 2024-11-04. Review status: criteria provided, single submitter. Criteria: ACMG Guidelines, 2015. Collection method: clinical testing. Allele origin: germline.

NM_002250.3(KCNN4):c.636G>A (p.Thr212=)

Gene: KCNN4 (potassium calcium-activated channel subfamily N member 4; minus strand). Cytogenetic location: 19q13.31.
Variant type: single nucleotide variant.
Coding change: c.636G>A on transcript NM_002250.3 (MANE Select); coding-DNA position 636, G replaced by A.
Protein change: p.Thr212=; no amino-acid change (threonine 212 retained).
Molecular consequence: synonymous variant.
Genome position (GRCh38, 1-based): chr19:43,774,239, C>T on the plus strand (G>A on the coding strand, the complement: KCNN4 is on the minus strand). VCF-style: chr19-43774239-C-T. GRCh37 (hg19) VCF-style: chr19-44278391-C-T.
Other names: p.Thr212=; c.636G>A (NM_002250.2).
Identifiers: ClinVar variation 2067390 (VCV002067390.9), dbSNP rs202081773, ClinGen allele CA9491961.
Genomic context (GRCh38, chr19:43,774,239, plus strand): 5'-CCATCACCCTCACCTCTCGGCCACGGACAGCACCCAGGCGGTGGTCAGCCAGAGGCCAAG[C>T]GTGAGGCCGAGCAGCAGGCGGCCAGGGTGCGTGTTCATGTAAAGCTTGGCCACGAACCAG-3'
Protein context (NP_002241.1, residues 202-222): THPGRLLLGL[Thr212=]LGLWLTTAWV